The following is an entry in ClinVar:

ClinVar aggregate classification (germline): Uncertain significance (1 of 4 stars; one submission).

Submission:

GeneDx
Classification: Uncertain significance. Last evaluated: 2023-11-18. Review status: criteria provided, single submitter. Criteria: GeneDx Variant Classification Process June 2021. Collection method: clinical testing. Allele origin: germline. Affected: yes.
Comment: Not observed at significant frequency in large population cohorts (gnomAD); In silico analysis supports that this missense variant does not alter protein structure/function; Has not been previously published as pathogenic or benign to our knowledge

NM_006914.4(RORB):c.1361G>A (p.Cys454Tyr)

Genes: RORB (RAR related orphan receptor B; plus strand), LOC124310566 (Sharpr-MPRA regulatory region 9792; plus strand). Cytogenetic location: 9q21.13.
Variant type: single nucleotide variant.
Coding change: c.1361G>A on transcript NM_006914.4 (MANE Select); coding-DNA position 1361, G replaced by A.
Protein change: p.Cys454Tyr; replaces cysteine 454 with tyrosine.
Molecular consequence: missense variant.
Genome position (GRCh38, 1-based): chr9:74,685,599, G>A. VCF-style: chr9-74685599-G-A. GRCh37 (hg19) VCF-style: chr9-77300515-G-A.
Other names: c.1394G>A, p.Cys465Tyr (NM_001365023.1); short protein forms C454Y, C465Y.
Identifiers: ClinVar variation 3364667 (VCV003364667.1).